The following is an entry in ClinVar:

ClinVar aggregate classification (germline): Uncertain significance (1 of 4 stars; one submission).

Submission:

Ambry Genetics
Classification: Uncertain significance. Last evaluated: 2026-04-10. Review status: criteria provided, single submitter. Criteria: Ambry Variant Classification Scheme 2023. Collection method: clinical testing. Allele origin: germline.
Comment: The p.V474M variant (also known as c.1420G>A), located in coding exon 8 of the PALLD gene, results from a G to A substitution at nucleotide position 1420. The valine at codon 474 is replaced by methionine, an amino acid with highly similar properties. This amino acid position is conserved. In addition, the in silico prediction for this alteration is inconclusive. Based on the available evidence, the clinical significance of this variant remains unclear.

NM_001166108.2(PALLD):c.2932G>A (p.Val978Met)

Genes: CBR4 (carbonyl reductase 4; minus strand), PALLD (palladin, cytoskeletal associated protein; plus strand). Cytogenetic location: 4q32.3.
Variant type: single nucleotide variant.
Coding change: c.2932G>A on transcript NM_001166108.2 (MANE Select); coding-DNA position 2932, G replaced by A.
Protein change: p.Val978Met; replaces valine 978 with methionine.
Molecular consequence: missense variant.
Genome position (GRCh38, 1-based): chr4:168,921,615, G>A. VCF-style: chr4-168921615-G-A. GRCh37 (hg19) VCF-style: chr4-169842766-G-A.
Other names: c.1735G>A, p.Val579Met (NM_001166109.2); c.1420G>A, p.Val474Met (NM_001166110.2); c.760G>A, p.Val254Met (NM_001367567.1, NM_001367569.1); c.811G>A, p.Val271Met (NM_001367568.1, NM_001367570.1); c.2881G>A, p.Val961Met (NM_016081.4); short protein forms V254M, V271M, V474M, V579M, V961M, V978M.
Identifiers: ClinVar variation 4861532 (VCV004861532.1).